The following is an entry in ClinVar:

ClinVar aggregate classification (germline): Uncertain significance. Review status: criteria provided, multiple submitters, no conflicts (2 of 4 stars). 2 submissions from 2 submitters: Uncertain significance (2). Last evaluated 2025-01-16.

Allele frequency attached by ClinVar (database versions not stated): gnomAD exomes 0.00002; gnomAD 0.00003.
gnomAD v4.1: 29 of 1,603,776 alleles (0.0018%); highest among the groups gnomAD compares: Middle Eastern, 0.017%; no homozygotes.

Submissions (2):

Labcorp Genetics (formerly Invitae), Labcorp
Classification: Uncertain significance. Last evaluated: 2025-01-16. Review status: criteria provided, single submitter. Criteria: Invitae Variant Classification Sherloc (09022015). Collection method: clinical testing. Allele origin: germline.
Comment: This sequence change replaces glutamine, which is neutral and polar, with arginine, which is basic and polar, at codon 144 of the TELO2 protein (p.Gln144Arg). This variant is present in population databases (rs748127959, gnomAD 0.009%). This variant has not been reported in the literature in individuals affected with TELO2-related conditions. ClinVar contains an entry for this variant (Variation ID: 2187924). Invitae Evidence Modeling of protein sequence and biophysical properties (such as structural, functional, and spatial information, amino acid conservation, physicochemical variation, residue mobility, and thermodynamic stability) indicates that this missense variant is not expected to disrupt TELO2 protein function with a negative predictive value of 95%. In summary, the available evidence is currently insufficient to determine the role of this variant in disease. Therefore, it has been classified as a Variant of Uncertain Significance.

GeneDx
Classification: Uncertain significance. Last evaluated: 2024-10-24. Review status: criteria provided, single submitter. Criteria: GeneDx Variant Classification Process June 2021. Collection method: clinical testing. Allele origin: germline. Affected: yes.
Comment: In silico analysis indicates that this missense variant does not alter protein structure/function; Has not been previously published as pathogenic or benign to our knowledge

NM_016111.4(TELO2):c.431A>G (p.Gln144Arg)

Gene: TELO2 (telomere maintenance 2; plus strand). Cytogenetic location: 16p13.3.
Variant type: single nucleotide variant.
Coding change: c.431A>G on transcript NM_016111.4 (MANE Select); coding-DNA position 431, A replaced by G.
Protein change: p.Gln144Arg; replaces glutamine 144 with arginine.
Molecular consequence: missense variant.
Genome position (GRCh38, 1-based): chr16:1,495,441, A>G. VCF-style: chr16-1495441-A-G. GRCh37 (hg19) VCF-style: chr16-1545442-A-G.
Other names: c.431A>G, p.Gln144Arg (NM_001351846.2); c.431A>G (NM_016111.3); short protein forms Q144R.
Identifiers: ClinVar variation 2187924 (VCV002187924.3), dbSNP rs748127959, ClinGen allele CA7811637.
Genomic context (GRCh38, chr16:1,495,441, plus strand): 5'-TGGCCAGATTCCTGCGCGAGGGCCGGCTGGCAGTGCTGATGGAGGCGCAGTGTCGGCAGC[A>G]GACGCAGCCCGGCTTCATCCTGCTCCGGGAGACGCTGCTGGGCAAGGTGGTGGCCCTGCC-3'
Protein context (NP_057195.2, residues 134-154): AVLMEAQCRQ[Gln144Arg]TQPGFILLRE